The following is an entry in ClinVar:

NM_003742.4(ABCB11):c.1792C>T (p.Gln598Ter)

Gene: ABCB11 (ATP binding cassette subfamily B member 11; minus strand). Cytogenetic location: 2q31.1.
Variant type: single nucleotide variant.
Coding change: c.1792C>T on transcript NM_003742.4 (MANE Select); coding-DNA position 1792, C replaced by T.
Protein change: p.Gln598Ter; replaces glutamine 598 with a stop codon.
Molecular consequence: nonsense.
Genome position (GRCh38, 1-based): chr2:168,970,062, G>A on the plus strand (C>T on the coding strand, the complement: ABCB11 is on the minus strand). VCF-style: chr2-168970062-G-A. GRCh37 (hg19) VCF-style: chr2-169826572-G-A.
Other names: short protein forms Q598*.
Identifiers: ClinVar variation 4846131 (VCV004846131.1).

ClinVar aggregate classification (germline): Pathogenic (1 of 4 stars; one submission).

Conditions:
Familial intrahepatic cholestasis. Identifiers: Orphanet 284385, MedGen CN296401, MONDO:0017290.

Submission:

Genomenon, Inc
Classification: Pathogenic for Familial intrahepatic cholestasis. Last evaluated: 2026-04-14. Review status: criteria provided, single submitter. Criteria: Genomenon Sequence Variant Interpretation Standards - Updated. Collection method: curation. Allele origin: germline. Affected: yes.
Comment: ABCB11 p.Gln598Ter (c.1792C>T) is a nonsense variant that introduces a premature stop codon at amino acid position 598, creating a truncated protein that is predicted to undergo nonsense-mediated mRNA decay. This variant has been observed in at least one proband with an ABCB11-related disorder (PMID:35780807;32808743). It is absent or not present at a significant frequency in gnomAD. In conclusion, we classify ABCB11 p.Gln598Ter (c.1792C>T) as a pathogenic variant.

Literature cited by the submitters: PubMed 35780807; PubMed 32808743.